The following is an entry in ClinVar:

NM_014806.5(RUSC2):c.1162C>G (p.Arg388Gly)

Gene: RUSC2 (RUN and SH3 domain containing 2; plus strand). Cytogenetic location: 9p13.3.
Variant type: single nucleotide variant.
Coding change: c.1162C>G on transcript NM_014806.5 (MANE Select); coding-DNA position 1162, C replaced by G.
Protein change: p.Arg388Gly; replaces arginine 388 with glycine.
Molecular consequence: missense variant. On other transcripts: non-coding transcript variant (1), intron variant (1).
Genome position (GRCh38, 1-based): chr9:35,547,683, C>G. VCF-style: chr9-35547683-C-G. GRCh37 (hg19) VCF-style: chr9-35547680-C-G.
Other names: c.1162C>G, p.Arg388Gly (NM_001135999.2); c.-620-7377C>G (NM_001330740.2); short protein forms R388G.
Identifiers: ClinVar variation 1909634 (VCV001909634.5), dbSNP rs891776488, ClinGen allele CA192747497.

ClinVar aggregate classification (germline): Uncertain significance (1 of 4 stars; one submission).

gnomAD v4.1: 39 of 1,614,180 alleles (0.0024%); highest among the groups gnomAD compares: Non-Finnish European, 0.0032%; no homozygotes.

Submission:

Labcorp Genetics (formerly Invitae), Labcorp
Classification: Uncertain significance. Last evaluated: 2022-04-09. Review status: criteria provided, single submitter. Criteria: Invitae Variant Classification Sherloc (09022015). Collection method: clinical testing. Allele origin: germline.
Comment: This variant has not been reported in the literature in individuals affected with RUSC2-related conditions. This variant is present in population databases (no rsID available, gnomAD 0.002%). This sequence change replaces arginine, which is basic and polar, with glycine, which is neutral and non-polar, at codon 388 of the RUSC2 protein (p.Arg388Gly). Algorithms developed to predict the effect of missense changes on protein structure and function are either unavailable or do not agree on the potential impact of this missense change (SIFT: "Deleterious"; PolyPhen-2: "Probably Damaging"; Align-GVGD: "Class C0"). In summary, the available evidence is currently insufficient to determine the role of this variant in disease. Therefore, it has been classified as a Variant of Uncertain Significance.